The following is an entry in ClinVar:

ClinVar aggregate classification (germline): Uncertain significance (1 of 4 stars; one submission).

Conditions:
Hereditary cancer-predisposing syndrome. Also called: Neoplastic Syndromes, Hereditary; Tumor predisposition; Hereditary Cancer Syndrome; Hereditary neoplastic syndrome. Identifiers: Orphanet 140162, MedGen C0027672, MeSH D009386, MONDO:0015356.

Submission:

Ambry Genetics
Classification: Uncertain significance for Hereditary cancer-predisposing syndrome. Last evaluated: 2026-05-07. Review status: criteria provided, single submitter. Criteria: Ambry Variant Classification Scheme 2023. Collection method: clinical testing. Allele origin: germline.
Comment: The p.A1168V variant (also known as c.3503C>T), located in coding exon 22 of the ALK gene, results from a C to T substitution at nucleotide position 3503. The alanine at codon 1168 is replaced by valine, an amino acid with similar properties. This amino acid position is highly conserved in available vertebrate species. In addition, the in silico prediction for this alteration is inconclusive. Based on the available evidence, the clinical significance of this variant remains unclear.

NM_004304.5(ALK):c.3503C>T (p.Ala1168Val)

Gene: ALK (ALK receptor tyrosine kinase; minus strand). Cytogenetic location: 2p23.2.
Variant type: single nucleotide variant.
Coding change: c.3503C>T on transcript NM_004304.5 (MANE Select); coding-DNA position 3503, C replaced by T.
Protein change: p.Ala1168Val; replaces alanine 1168 with valine.
Molecular consequence: missense variant.
Genome position (GRCh38, 1-based): chr2:29,222,356, G>A on the plus strand (C>T on the coding strand, the complement: ALK is on the minus strand). VCF-style: chr2-29222356-G-A. GRCh37 (hg19) VCF-style: chr2-29445222-G-A.
Other names: c.299C>T, p.Ala100Val (NM_001353765.2); short protein forms A100V, A1168V.
Identifiers: ClinVar variation 4870229 (VCV004870229.1).